The following is an entry in ClinVar:

ClinVar aggregate classification (germline): Uncertain significance (1 of 4 stars; one submission).

gnomAD v4.1: 7 of 1,614,000 alleles (0.00043%); highest among the groups gnomAD compares: African/African-American, 0.008%; no homozygotes.

Submission:

Labcorp Genetics (formerly Invitae), Labcorp
Classification: Uncertain significance. Last evaluated: 2025-02-03. Review status: criteria provided, single submitter. Criteria: Invitae Variant Classification Sherloc (09022015). Collection method: clinical testing. Allele origin: germline.
Comment: This sequence change replaces glycine, which is neutral and non-polar, with arginine, which is basic and polar, at codon 587 of the GHR protein (p.Gly587Arg). This variant is present in population databases (rs755987305, gnomAD 0.01%). This variant has not been reported in the literature in individuals affected with GHR-related conditions. Invitae Evidence Modeling of protein sequence and biophysical properties (such as structural, functional, and spatial information, amino acid conservation, physicochemical variation, residue mobility, and thermodynamic stability) indicates that this missense variant is not expected to disrupt GHR protein function with a negative predictive value of 95%. In summary, the available evidence is currently insufficient to determine the role of this variant in disease. Therefore, it has been classified as a Variant of Uncertain Significance.

NM_000163.5(GHR):c.1759G>C (p.Gly587Arg)

Gene: GHR (growth hormone receptor; plus strand). Cytogenetic location: 5p12.
Variant type: single nucleotide variant.
Coding change: c.1759G>C on transcript NM_000163.5 (MANE Select); coding-DNA position 1759, G replaced by C.
Protein change: p.Gly587Arg; replaces glycine 587 with arginine.
Molecular consequence: missense variant. On other transcripts: 3 prime UTR variant (1).
Genome position (GRCh38, 1-based): chr5:42,719,266, G>C. VCF-style: chr5-42719266-G-C. GRCh37 (hg19) VCF-style: chr5-42719368-G-C.
Other names: c.1693G>C, p.Gly565Arg (NM_001242460.2); c.*801G>C (NM_001242462.1); c.1780G>C, p.Gly594Arg (NM_001242399.2); c.1759G>C, p.Gly587Arg (NM_001242400.2, NM_001242401.4, NM_001242402.2 and 4 more transcripts); short protein forms G565R, G587R, G594R.
Identifiers: ClinVar variation 3622059 (VCV003622059.2).
Genomic context (GRCh38, chr5:42,719,266, plus strand): 5'-ATCACCACAGAAAGCCTTACCACTGCTGCTGGGAGGCCTGGGACAGGAGAACATGTTCCA[G>C]GTTCTGAGATGCCTGTCCCAGACTATACCTCCATTCATATAGTACAGTCCCCACAGGGCC-3'
Protein context (NP_000154.1, residues 577-597): GRPGTGEHVP[Gly587Arg]SEMPVPDYTS